The following is an entry in ClinVar:

NM_000061.3(BTK):c.176AGA[1] (p.Lys60del)

Gene: BTK (Bruton tyrosine kinase; minus strand). Cytogenetic location: Xq22.1.
Variant type: Microsatellite.
Coding change: c.176AGA[1] on transcript NM_000061.3 (MANE Select); one copy of the 3-base unit AGA starting at c.176; the reference has two copies in a row; one copy, 3 bases deleted; also written c.179_181del.
Protein change: p.Lys60del; deletes lysine 60.
Molecular consequence: inframe deletion.
Genome position (GRCh38, 1-based): chrX:101,374,595-101,374,597, TCT deleted on the plus strand (AGA on the coding strand, the reverse complement: BTK is on the minus strand); deleting any 3 consecutive bases within chrX:101,374,595-101,374,600 gives the same sequence; the position shown is the placement nearest the transcript's 3' end. VCF-style (leftmost placement, unchanged base first): chrX-101374594-ATCT-A. GRCh37 (hg19) VCF-style: chrX-100629582-ATCT-A.
Other names: c.179_181delAGA (NM_000061.2); c.278AGA[1], p.Lys94del (NM_001287344.2); c.176AGA[1], p.Lys60del (NM_001287345.2); c.179_181del (NM_000061.3); short protein forms K94del, K60del.
Identifiers: ClinVar variation 632728 (VCV000632728.14), dbSNP rs1603019594, ClinGen allele CA913190971.

ClinVar aggregate classification (germline): Pathogenic. Review status: criteria provided, multiple submitters, no conflicts (2 of 4 stars). 4 submissions from 4 submitters: Pathogenic (3). 1 of the submissions does not count toward it. Last evaluated 2023-10-06.

Conditions:
BTK-related disorder. Also called: BTK-related condition.
X-linked agammaglobulinemia (XLA). Also called: Bruton's agammaglobulinemia; AGAMMAGLOBULINEMIA, X-LINKED, TYPE 1; Agammaglobulinemia, Bruton tyrosine kinase; Agammaglobulinemia, BTK; BTK-deficiency; Bruton-type agammaglobulinemia. Identifiers: Orphanet 229717, Orphanet 47, MedGen C0221026, MONDO:0010421, OMIM 300755.
X-linked agammaglobulinemia with growth hormone deficiency (IGHD3). Also called: Isolated growth hormone deficiency type 3; Growth hormone deficiency with hypogammaglobulinemia; AGAMMAGLOBULINEMIA AND ISOLATED GROWTH HORMONE DEFICIENCY, X-LINKED; ISOLATED GROWTH HORMONE DEFICIENCY, TYPE III, WITH AGAMMAGLOBULINEMIA; FLEISHER SYNDROME; HYPOGAMMAGLOBULINEMIA AND ISOLATED GROWTH HORMONE DEFICIENCY, X-LINKED. Identifiers: Orphanet 231692, Orphanet 631, MedGen C0472813, MONDO:0010615, OMIM 307200.

Submissions (4):

Labcorp Genetics (formerly Invitae), Labcorp
Classification: Pathogenic for X-linked agammaglobulinemia with growth hormone deficiency. Last evaluated: 2023-10-06. Review status: criteria provided, single submitter. Criteria: Invitae Variant Classification Sherloc (09022015). Collection method: clinical testing. Allele origin: germline.
Comment: This variant, c.179_181del, results in the deletion of 1 amino acid(s) of the BTK protein (p.Lys60del), but otherwise preserves the integrity of the reading frame. This variant is not present in population databases (gnomAD no frequency). This variant has been observed in individuals with X-linked agammaglobulinemia (XLA) (PMID: 11036800, 12655572, 30072168). It has also been observed to segregate with disease in related individuals. ClinVar contains an entry for this variant (Variation ID: 632728). Experimental studies and prediction algorithms are not available or were not evaluated, and the functional significance of this variant is currently unknown. For these reasons, this variant has been classified as Pathogenic.

Women's Health and Genetics/Laboratory Corporation of America, LabCorp
Classification: Pathogenic for X-linked agammaglobulinemia. Last evaluated: 2018-06-01. Review status: criteria provided, single submitter. Criteria: LabCorp Variant Classification Summary - May 2015. Collection method: clinical testing. Allele origin: germline.
Comment: Variant summary: BTK c.179_181delAGA (p.Lys60del) results in an in-frame deletion that is predicted to remove a Lysine from the encoded protein. The variant was absent in 178627 control chromosomes (gnomAD). The variant, c.179_181delAGA, has been reported in the literature in multiple individuals affected with X-linked Agammaglobulinemia including segregating within one large family (Pienaar_2000, Danielian_2003). The affected individuals also showed no BTK protein expression (Pienaar_2003). No clinical diagnostic laboratories have submitted clinical-significance assessments for this variant to ClinVar after 2014. Based on the evidence outlined above, the variant was classified as pathogenic.

Clinical Genetics Service, Universitary Hospital 12 de Octubre
Classification: Pathogenic for X-linked agammaglobulinemia. Review status: criteria provided, single submitter. Criteria: ACMG Guidelines, 2015. Collection method: clinical testing. Allele origin: maternal. Affected: yes.

PreventionGenetics, part of Exact Sciences
Classification: Pathogenic for BTK-related condition. Last evaluated: 2024-08-28. Review status: no assertion criteria provided. Collection method: clinical testing. Allele origin: germline. Not counted in ClinVar's aggregate classification.
Comment: The BTK c.179_181delAGA variant is predicted to result in an in-frame deletion (p.Lys60del). This variant has been reported in individuals with X-linked agammaglobulinemia (P14, Esenboga et al. 2018. PubMed ID: 29424453; Pienaar et al. 2000. PubMed ID: 11036800; Doğruel et al. 2018. PubMed ID: 30072168; Patient 4, reported as c.310_312delAAG (p.K60del), Danielian et al. 2003. PubMed ID: 12655572). A functional study using samples from patients with this variant showed that there was no protein protein (Pienaar et al. 2000. PubMed ID: 11036800). This variant has not been reported in a large population database, indicating this variant is rare. This variant is interpreted as pathogenic.

Literature cited by the submitters: PubMed 11036800 (cited by Labcorp Genetics (formerly Invitae), Labcorp and Women's Health and Genetics/Laboratory Corporation of America, LabCorp); PubMed 12655572 (cited by Labcorp Genetics (formerly Invitae), Labcorp and Women's Health and Genetics/Laboratory Corporation of America, LabCorp); PubMed 30072168 (cited by Labcorp Genetics (formerly Invitae), Labcorp).